The following is an entry in ClinVar:

ClinVar aggregate classification (germline): Uncertain significance (1 of 4 stars; one submission).

Conditions:
Charcot-Marie-Tooth disease type 2. Also called: Charcot-Marie-Tooth type 2. Identifiers: Orphanet 64746, MedGen C0270914, MONDO:0018993.

Allele frequency attached by ClinVar (database versions not stated): gnomAD exomes below 0.00001.
gnomAD v4.1: 4 of 1,613,902 alleles (0.00025%); highest among the groups gnomAD compares: Non-Finnish European, 0.00034%; no homozygotes.

Submission:

Labcorp Genetics (formerly Invitae), Labcorp
Classification: Uncertain significance for Charcot-Marie-Tooth disease type 2. Last evaluated: 2019-12-31. Review status: criteria provided, single submitter. Criteria: Invitae Variant Classification Sherloc (09022015). Collection method: clinical testing. Allele origin: germline.
Comment: This sequence change replaces asparagine with lysine at codon 205 of the AARS protein (p.Asn205Lys). The asparagine residue is highly conserved and there is a moderate physicochemical difference between asparagine and lysine. In summary, the available evidence is currently insufficient to determine the role of this variant in disease. Therefore, it has been classified as a Variant of Uncertain Significance. Algorithms developed to predict the effect of sequence changes on RNA splicing suggest that this variant may create or strengthen a splice site, but this prediction has not been confirmed by published transcriptional studies. Algorithms developed to predict the effect of missense changes on protein structure and function are either unavailable or do not agree on the potential impact of this missense change (SIFT: "Deleterious"; PolyPhen-2: "Probably Damaging"; Align-GVGD: "Class C0"). This variant has not been reported in the literature in individuals with AARS-related conditions. This variant is not present in population databases (ExAC no frequency).

NM_001605.3(AARS1):c.615C>G (p.Asn205Lys)

Gene: AARS1 (alanyl-tRNA synthetase 1; minus strand). Cytogenetic location: 16q22.1.
Variant type: single nucleotide variant.
Coding change: c.615C>G on transcript NM_001605.3 (MANE Select); coding-DNA position 615, C replaced by G.
Protein change: p.Asn205Lys; replaces asparagine 205 with lysine.
Molecular consequence: missense variant.
Genome position (GRCh38, 1-based): chr16:70,271,837, G>C on the plus strand (C>G on the coding strand, the complement: AARS1 is on the minus strand). VCF-style: chr16-70271837-G-C. GRCh37 (hg19) VCF-style: chr16-70305740-G-C.
Other names: short protein forms N205K.
Identifiers: ClinVar variation 846855 (VCV000846855.9), dbSNP rs1180375496, ClinGen allele CA396566592.
Genomic context (GRCh38, chr16:70,271,837, plus strand): 5'-CTACCTGTTATACTGGATGAACACAAGGTTCCAGATCTCCAGCACATTAGGGTCGTCCTG[G>C]TTGACAAGATGTGCGGCGTCCCGACCACCAATCCGGTCGTAGTGGATCTCACTGCAAGGA-3'
Protein context (NP_001596.2, residues 195-215): IGGRDAAHLV[Asn205Lys]QDDPNVLEIW